The following is an entry in ClinVar:

ClinVar aggregate classification (germline): Conflicting classifications of pathogenicity. Review status: criteria provided, conflicting classifications (1 of 4 stars). 3 submissions from 3 submitters: Pathogenic (1); Uncertain significance (2). Last evaluated 2025-12-15.

Conditions:
Inborn genetic diseases. Identifiers: MedGen C0950123, MeSH D030342.

Submissions (3):

Labcorp Genetics (formerly Invitae), Labcorp
Classification: Pathogenic. Last evaluated: 2025-12-15. Review status: criteria provided, single submitter. Criteria: Invitae Variant Classification Sherloc (09022015). Collection method: clinical testing. Allele origin: germline.
Comment: This sequence change replaces arginine, which is basic and polar, with proline, which is neutral and non-polar, at codon 492 of the CYP27B1 protein (p.Arg492Pro). This variant is present in population databases (rs773538942, gnomAD 0.02%). This missense change has been observed in individuals with vitamin D dependent rickets type 1A (PMID: 20926527, 36321535; internal data). ClinVar contains an entry for this variant (Variation ID: 2246886). Invitae Evidence Modeling of protein sequence and biophysical properties (such as structural, functional, and spatial information, amino acid conservation, physicochemical variation, residue mobility, and thermodynamic stability) indicates that this missense variant is expected to disrupt CYP27B1 protein function with a positive predictive value of 80%. This variant disrupts the p.Arg492 amino acid residue in CYP27B1. Other variant(s) that disrupt this residue have been determined to be pathogenic (PMID: 22588163, 30282619). This suggests that this residue is clinically significant, and that variants that disrupt this residue are likely to be disease-causing. For these reasons, this variant has been classified as Pathogenic.

Blueprint Genetics
Classification: Uncertain significance. Last evaluated: 2023-09-14. Review status: criteria provided, single submitter. Criteria: ACMG Guidelines, 2015. Collection method: clinical testing. Allele origin: germline.

Ambry Genetics
Classification: Uncertain significance for Inborn genetic diseases. Last evaluated: 2021-10-12. Review status: criteria provided, single submitter. Criteria: Ambry Variant Classification Scheme 2023. Collection method: clinical testing. Allele origin: germline.
Comment: (Edouard, 2011) Based on insufficient or conflicting evidence, the clinical significance of this alteration remains unclear.

Literature cited by the submitters: PubMed 20926527 (cited by Labcorp Genetics (formerly Invitae), Labcorp and Ambry Genetics); PubMed 36321535 (cited by Labcorp Genetics (formerly Invitae), Labcorp); PubMed 22588163 (cited by Labcorp Genetics (formerly Invitae), Labcorp); PubMed 30282619 (cited by Labcorp Genetics (formerly Invitae), Labcorp).

NM_000785.4(CYP27B1):c.1475G>C (p.Arg492Pro)

Gene: CYP27B1 (cytochrome P450 family 27 subfamily B member 1; minus strand). Cytogenetic location: 12q14.1.
Variant type: single nucleotide variant.
Coding change: c.1475G>C on transcript NM_000785.4 (MANE Select); coding-DNA position 1475, G replaced by C.
Protein change: p.Arg492Pro; replaces arginine 492 with proline.
Molecular consequence: missense variant.
Genome position (GRCh38, 1-based): chr12:57,763,194, C>G on the plus strand (G>C on the coding strand, the complement: CYP27B1 is on the minus strand). VCF-style: chr12-57763194-C-G. GRCh37 (hg19) VCF-style: chr12-58156977-C-G.
Other names: short protein forms R492P.
Identifiers: ClinVar variation 2246886 (VCV002246886.7), dbSNP rs773538942, ClinGen allele CA6658114.
Genomic context (GRCh38, chr12:57,763,194, plus strand): 5'-CCATGGGACTATCTGTCCAAAAACTGTAGGTTGATGCTCCTTTCAGGTACCAGGACAGTC[C>G]GGGTCTTGGGTCTAACTGGGGCCGCACCTGGCTCAGGCTGCACCTCAAAATGTGTTAGGA-3'
Protein context (NP_000776.1, residues 482-502): PGAAPVRPKT[Arg492Pro]TVLVPERSIN